The following is an entry in ClinVar:

ClinVar aggregate classification (germline): Uncertain significance (1 of 4 stars; one submission).

gnomAD v4.1: 29 of 1,614,086 alleles (0.0018%); highest among the groups gnomAD compares: Middle Eastern, 0.016%; no homozygotes.

Submission:

Labcorp Genetics (formerly Invitae), Labcorp
Classification: Uncertain significance. Last evaluated: 2025-03-25. Review status: criteria provided, single submitter. Criteria: Invitae Variant Classification Sherloc (09022015). Collection method: clinical testing. Allele origin: germline.
Comment: This sequence change replaces lysine, which is basic and polar, with asparagine, which is neutral and polar, at codon 1291 of the HIVEP2 protein (p.Lys1291Asn). This variant is present in population databases (rs765353665, gnomAD 0.0009%). This variant has not been reported in the literature in individuals affected with HIVEP2-related conditions. Invitae Evidence Modeling of protein sequence and biophysical properties (such as structural, functional, and spatial information, amino acid conservation, physicochemical variation, residue mobility, and thermodynamic stability) indicates that this missense variant is expected to disrupt HIVEP2 protein function with a positive predictive value of 80%. In summary, the available evidence is currently insufficient to determine the role of this variant in disease. Therefore, it has been classified as a Variant of Uncertain Significance.

NM_006734.4(HIVEP2):c.3873G>T (p.Lys1291Asn)

Gene: HIVEP2 (HIVEP zinc finger 2; minus strand). Cytogenetic location: 6q24.2.
Variant type: single nucleotide variant.
Coding change: c.3873G>T on transcript NM_006734.4 (MANE Select); coding-DNA position 3873, G replaced by T.
Protein change: p.Lys1291Asn; replaces lysine 1291 with asparagine.
Molecular consequence: missense variant.
Genome position (GRCh38, 1-based): chr6:142,770,866, C>A on the plus strand (G>T on the coding strand, the complement: HIVEP2 is on the minus strand). VCF-style: chr6-142770866-C-A. GRCh37 (hg19) VCF-style: chr6-143092003-C-A.
Other names: short protein forms K1291N.
Identifiers: ClinVar variation 3677272 (VCV003677272.2).